The following is an entry in ClinVar:

ClinVar aggregate classification (germline): Uncertain significance (1 of 4 stars; one submission).

Conditions:
Inborn genetic diseases. Identifiers: MedGen C0950123, MeSH D030342.

Submission:

Ambry Genetics
Classification: Uncertain significance for Inborn genetic diseases. Last evaluated: 2023-10-24. Review status: criteria provided, single submitter. Criteria: Ambry Variant Classification Scheme 2023. Collection method: clinical testing. Allele origin: germline.
Comment: The p.R786S variant (also known as c.2358A>C), located in coding exon 18 of the BUB1B gene, results from an A to C substitution at nucleotide position 2358. The arginine at codon 786 is replaced by serine, an amino acid with dissimilar properties. This amino acid position is conserved. In addition, this alteration is predicted to be tolerated by in silico analysis. Since supporting evidence is limited at this time, the clinical significance of this alteration remains unclear.

NM_001211.6(BUB1B):c.2358A>C (p.Arg786Ser)

Gene: BUB1B (BUB1 mitotic checkpoint serine/threonine kinase B; plus strand). Cytogenetic location: 15q15.1.
Variant type: single nucleotide variant.
Coding change: c.2358A>C on transcript NM_001211.6 (MANE Select); coding-DNA position 2358, A replaced by C.
Protein change: p.Arg786Ser; replaces arginine 786 with serine.
Molecular consequence: missense variant.
Genome position (GRCh38, 1-based): chr15:40,210,183, A>C. VCF-style: chr15-40210183-A-C. GRCh37 (hg19) VCF-style: chr15-40502384-A-C.
Other names: short protein forms R786S.
Identifiers: ClinVar variation 3221383 (VCV003221383.1), dbSNP rs2542572835, ClinGen allele CA391695019.